The following is an entry in ClinVar:

NM_198253.3(TERT):c.-5C>G

Genes: TERT (telomerase reverse transcriptase; minus strand), LOC110806263 (TERT 5' regulatory region; plus strand). Cytogenetic location: 5p15.33.
Variant type: single nucleotide variant.
Coding change: c.-5C>G on transcript NM_198253.3 (MANE Select); 5 bases upstream of the start codon, C replaced by G.
Molecular consequence: 5 prime UTR variant. On other transcripts: non-coding transcript variant (2).
Genome position (GRCh38, 1-based): chr5:1,294,994, G>C on the plus strand (C>G on the coding strand, the complement: TERT is on the minus strand). VCF-style: chr5-1294994-G-C. GRCh37 (hg19) VCF-style: chr5-1295109-G-C.
Other names: c.-5C>G (NM_001193376.3).
Identifiers: ClinVar variation 3805751 (VCV003805751.1).

ClinVar aggregate classification (germline): Uncertain significance (1 of 4 stars; one submission).

Conditions:
Dyskeratosis congenita. Identifiers: Orphanet 1775, MedGen C0265965, MONDO:0015780.

Submission:

Ambry Genetics
Classification: Uncertain significance for Dyskeratosis congenita. Last evaluated: 2025-01-11. Review status: criteria provided, single submitter. Criteria: Ambry Variant Classification Scheme 2023. Collection method: clinical testing. Allele origin: germline.
Comment: The c.-5C>G variant is located in the 5' untranslated region (5&rsquo; UTR) of the TERT gene. This variant results from a C to G substitution 5 bases upstream from the first translated codon. This nucleotide position is well conserved in available vertebrate species. Based on the available evidence, the clinical significance of this variant remains unclear.